The following is an entry in ClinVar:

ClinVar aggregate classification (germline): Conflicting classifications of pathogenicity. Review status: criteria provided, conflicting classifications (1 of 4 stars). 16 submissions from 16 submitters: Uncertain significance (12); Likely benign (1). 3 of the submissions do not count toward it. Last evaluated 2026-07-31.

Conditions:
Ataxia-telangiectasia-like disorder (ATLD). Identifiers: MedGen C1858391, MONDO:0011457.
MRE11-related disorder. Also called: MRE11-related condition.
Hereditary cancer-predisposing syndrome. Also called: Tumor predisposition; Neoplastic Syndromes, Hereditary; Hereditary neoplastic syndrome; Hereditary Cancer Syndrome. Identifiers: Orphanet 140162, MedGen C0027672, MeSH D009386, MONDO:0015356.
Hereditary breast ovarian cancer syndrome. Also called: Hereditary breast and ovarian cancer syndrome; Hereditary breast and ovarian cancer; Hereditary breast and ovarian cancer syndrome (HBOC); Hereditary breast and/or ovarian cancer syndrome; BRCA1- and BRCA2-Associated Hereditary Breast and Ovarian Cancer; Breast and ovarian cancer. Identifiers: Orphanet 145, MedGen C0677776, MeSH D061325, MONDO:0003582. Disease mechanism: loss of function.
Ataxia-telangiectasia-like disorder 1 (ATLD1). Identifiers: Orphanet 251347, MedGen C4012790, MONDO:0024557, OMIM 604391.

Allele frequency attached by ClinVar (database versions not stated): ESP Exome Variant Server 0.00008; gnomAD exomes 0.00012 and 0.00019; TOPMed 0.00012; gnomAD 0.00015; 1000 Genomes Project 30x 0.00016; ExAC 0.00016; 1000 Genomes Project 0.00020.
gnomAD v4.1: 297 of 1,611,336 alleles (0.018%); highest among the groups gnomAD compares: Non-Finnish European, 0.024%; no homozygotes.

Submissions (16):

PreventionGenetics, part of Exact Sciences
Classification: Uncertain significance for MRE11-related condition. Last evaluated: 2026-07-31. Review status: criteria provided, single submitter. Criteria: ACMG Guidelines, 2015. Collection method: clinical testing. Allele origin: germline.
Comment: The MRE11 c.1504C>T variant is predicted to result in the amino acid substitution p.Arg502Cys. This variant has been observed in a pediatric patient with hyperdiploid acute lymphocytic leukemia (Table S4e, Zhang et al. 2015. PubMed ID: 26580448). This variant is reported in 0.022% of alleles in individuals of European (non-Finnish) descent in gnomAD and has conflicting interpretations regarding its pathogenicity in ClinVar, ranging from likely benign to uncertain (Variation ID: 142153). At this time, the clinical significance of this variant is uncertain due to the absence of conclusive functional and genetic evidence.

GeneDx
Classification: Uncertain significance. Last evaluated: 2026-03-10. Review status: criteria provided, single submitter. Criteria: GeneDx Variant Classification Process June 2021. Collection method: clinical testing. Allele origin: germline.
Comment: In silico analysis supports that this missense variant has a deleterious effect on protein structure/function; In silico analysis suggests this variant may impact gene splicing. In the absence of RNA/functional studies, the actual effect of this sequence change is unknown.; This variant is associated with the following publications: (PMID: 26580448, 33471991, 28569743, 24894818, 26787654, 27001614, 26689913)

Quest Diagnostics Nichols Institute San Juan Capistrano
Classification: Uncertain significance. Last evaluated: 2025-08-08. Review status: criteria provided, single submitter. Criteria: Quest Diagnostics criteria. Collection method: clinical testing. Allele origin: unknown.

Labcorp Genetics (formerly Invitae), Labcorp
Classification: Uncertain significance for Ataxia-telangiectasia-like disorder. Last evaluated: 2024-12-11. Review status: criteria provided, single submitter. Criteria: Invitae Variant Classification Sherloc (09022015). Collection method: clinical testing. Allele origin: germline.
Comment: This sequence change replaces arginine, which is basic and polar, with cysteine, which is neutral and slightly polar, at codon 502 of the MRE11 protein (p.Arg502Cys). This variant is present in population databases (rs186333183, gnomAD 0.02%). This missense change has been observed in individual(s) with acute lymphocytic leukemia (PMID: 26580448). ClinVar contains an entry for this variant (Variation ID: 142153). An algorithm developed to predict the effect of missense changes on protein structure and function (PolyPhen-2) suggests that this variant¬†is likely to be tolerated. Algorithms developed to predict the effect of sequence changes on RNA splicing suggest that this variant may create or strengthen a splice site. In summary, the available evidence is currently insufficient to determine the role of this variant in disease. Therefore, it has been classified as a Variant of Uncertain Significance.

Ambry Genetics
Classification: Uncertain significance for Hereditary cancer-predisposing syndrome. Last evaluated: 2024-09-27. Review status: criteria provided, single submitter. Criteria: Ambry Variant Classification Scheme 2023. Collection method: clinical testing. Allele origin: germline.
Comment: The p.R502C variant (also known as c.1504C>T), located in coding exon 13 of the MRE11A gene, results from a C to T substitution at nucleotide position 1504. The arginine at codon 502 is replaced by cysteine, an amino acid with highly dissimilar properties. In one study, this variant was reported in 0/1313 early-onset breast cancer cases and 1/1123 population controls (Damiola F et al. Breast Cancer Res. 2014 Jun;16:R58). This alteration was also reported in a study of 1297 cases of early-onset breast cancer and 1121 controls; although it was not specified if this variant was observed in a case or control (Young EL et al. J. Med. Genet. 2016 Jun;53:366-76). This amino acid position is well conserved in available vertebrate species. In addition, the in silico prediction for this alteration is inconclusive. Since supporting evidence is limited at this time, the clinical significance of this alteration remains unclear.

Blueprint Genetics
Classification: Uncertain significance. Last evaluated: 2024-04-22. Review status: criteria provided, single submitter. Criteria: ACMG Guidelines, 2015. Collection method: clinical testing. Allele origin: germline.

Baylor Genetics
Classification: Uncertain significance for Ataxia-telangiectasia-like disorder 1. Last evaluated: 2024-03-13. Review status: criteria provided, single submitter. Criteria: ACMG Guidelines, 2015. Collection method: clinical testing. Allele origin: unknown.

National Health Laboratory Service, Universitas Academic Hospital and University of the Free State
Classification: Uncertain significance for Hereditary breast ovarian cancer syndrome. Last evaluated: 2022-04-19. Review status: criteria provided, single submitter. Criteria: ACMG Guidelines, 2015. Collection method: clinical testing. Allele origin: germline. Affected: yes. Observed: 1 variant allele.

Institute for Clinical Genetics, University Hospital TU Dresden, University Hospital TU Dresden
Classification: Uncertain significance. Last evaluated: 2021-11-03. Review status: criteria provided, single submitter. Criteria: ACMG Guidelines, 2015. Collection method: clinical testing. Allele origin: germline.

Women's Health and Genetics/Laboratory Corporation of America, LabCorp
Classification: Likely benign. Last evaluated: 2021-09-04. Review status: criteria provided, single submitter. Criteria: LabCorp Variant Classification Summary - May 2015. Collection method: clinical testing. Allele origin: germline.
Comment: Variant summary: MRE11 c.1504C>T (p.Arg502Cys) results in a non-conservative amino acid change in the encoded protein sequence. Three of five in-silico tools predict a benign effect of the variant on protein function. The variant allele was found at a frequency of 0.00012 in 250326 control chromosomes. The observed variant frequency is approximately 2 fold of the estimated maximal expected allele frequency for a pathogenic variant in MRE11 causing Hereditary Breast And Ovarian Cancer Syndrome phenotype (6.3e-05), strongly suggesting that the variant is benign. c.1504C>T has been reported in the literature as a germline variant in one case of hyperdiploid ALL in a cohort of pediatric cancer patients younger than age 20 undergoing multigene sequence analysis (example, Zhang_2015). These report(s) do not provide unequivocal conclusions about association of the variant with Hereditary Breast And Ovarian Cancer Syndrome. To our knowledge, no experimental evidence demonstrating an impact on protein function has been reported. Four clinical diagnostic laboratories have submitted clinical-significance assessments for this variant to ClinVar after 2014 without evidence for independent evaluation. All laboratories classified the variant as uncertain significance. Based on the evidence outlined above, the variant was classified as likely benign.

Sema4
Classification: Uncertain significance for Hereditary cancer-predisposing syndrome. Last evaluated: 2021-05-03. Review status: criteria provided, single submitter. Criteria: Sema4 Curation Guidelines. Collection method: curation. Allele origin: germline.
Comment: The MRE11 c.1504C>T (p.R502C) variant has been reported in heterozygosity in numerous individuals with breast cancer (PMID: 33471991). However, the variant was seen in an equivalent subset of controls in this study, suggesting the variant is not enriched in the cases vs controls (OR= 0.8841, 95% CI: 0.5236 to 1.4931, z statistic: 0.461, P = 0.6451). It was observed in 28/128510 chromosomes in the Non-Finnish European subpopulation in the large and broad cohorts of the Genome Aggregation Database (PMID: 32461654). The variant has been reported in ClinVar (Variation ID: 142153). Functional studies have not been performed, and in silico predictions of the variant's effect on protein function are inconclusive. The evidence is insufficient to meet ACMG/AMP criteria for classifying the variant as benign or pathogenic. Thus, the clinical significance of this variant is currently uncertain.

Illumina Laboratory Services, Illumina
Classification: Uncertain significance for Ataxia-telangiectasia-like disorder 1. Last evaluated: 2018-01-13. Review status: criteria provided, single submitter. Criteria: ICSL Variant Classification Criteria 13 December 2019. Collection method: clinical testing. Allele origin: germline.

Fulgent Genetics
Classification: Uncertain significance for Ataxia-telangiectasia-like disorder 1. Last evaluated: 2017-05-23. Review status: criteria provided, single submitter. Criteria: ACMG Guidelines, 2015. Collection method: clinical testing. Allele origin: unknown.

Clinical Genetics DNA and cytogenetics Diagnostics Lab, Erasmus MC, Erasmus Medical Center
Classification: Uncertain significance. Review status: no assertion criteria provided. Collection method: clinical testing. Allele origin: germline. Affected: yes. Study: VKGL Data-share Consensus. Not counted in ClinVar's aggregate classification.

Diagnostic Laboratory, Department of Genetics, University Medical Center Groningen
Classification: Uncertain significance. Review status: no assertion criteria provided. Collection method: clinical testing. Allele origin: germline. Affected: yes. Study: VKGL Data-share Consensus. Not counted in ClinVar's aggregate classification.

Genome Diagnostics Laboratory, Amsterdam University Medical Center
Classification: Uncertain significance. Review status: no assertion criteria provided. Collection method: clinical testing. Allele origin: germline. Affected: yes. Study: VKGL Data-share Consensus. Not counted in ClinVar's aggregate classification.

Literature cited by the submitters: PubMed 26580448 (cited by Labcorp Genetics (formerly Invitae), Labcorp and Women's Health and Genetics/Laboratory Corporation of America, LabCorp); PubMed 24894818 (cited by Ambry Genetics and Women's Health and Genetics/Laboratory Corporation of America, LabCorp); PubMed 26787654 (cited by Ambry Genetics and Women's Health and Genetics/Laboratory Corporation of America, LabCorp); PubMed 33471991 (cited by Sema4).

NM_005591.4(MRE11):c.1504C>T (p.Arg502Cys)

Gene: MRE11 (MRE11 double strand break repair nuclease; minus strand). Cytogenetic location: 11q21.
Variant type: single nucleotide variant.
Coding change: c.1504C>T on transcript NM_005591.4 (MANE Select); coding-DNA position 1504, C replaced by T.
Protein change: p.Arg502Cys; replaces arginine 502 with cysteine.
Molecular consequence: missense variant.
Genome position (GRCh38, 1-based): chr11:94,456,335, G>A on the plus strand (C>T on the coding strand, the complement: MRE11 is on the minus strand). VCF-style: chr11-94456335-G-A. GRCh37 (hg19) VCF-style: chr11-94189501-G-A.
Other names: NP_005582.1:p.Arg502Cys; c.1504C>T, p.Arg502Cys (NM_001330347.2, NM_005590.4); short protein forms R502C.
Identifiers: ClinVar variation 142153 (VCV000142153.31), dbSNP rs186333183, ClinGen allele CA333235.